The following is an entry in ClinVar:

NM_005634.3(SOX3):c.337G>A (p.Ala113Thr)

Gene: SOX3 (SRY-box transcription factor 3; minus strand). Cytogenetic location: Xq27.1.
Variant type: single nucleotide variant.
Coding change: c.337G>A on transcript NM_005634.3 (MANE Select); coding-DNA position 337, G replaced by A.
Protein change: p.Ala113Thr; replaces alanine 113 with threonine.
Molecular consequence: missense variant.
Genome position (GRCh38, 1-based): chrX:140,504,724, C>T on the plus strand (G>A on the coding strand, the complement: SOX3 is on the minus strand). VCF-style: chrX-140504724-C-T. GRCh37 (hg19) VCF-style: chrX-139586889-C-T.
Other names: short protein forms A113T.
Identifiers: ClinVar variation 1034198 (VCV001034198.4), dbSNP rs1927341730, ClinGen allele CA414478990.

ClinVar aggregate classification (germline): Uncertain significance. Review status: criteria provided, multiple submitters, no conflicts (2 of 4 stars). 2 submissions from 2 submitters: Uncertain significance (2). Last evaluated 2025-11-26.

Conditions:
Intellectual developmental disorder, X-linked, with panhypopituitarism. Also called: Intellectual disability, X-linked, with panhypopituitarism. Identifiers: MedGen C2678223, MONDO:0010252, OMIM 300123.

Allele frequency attached by ClinVar (database versions not stated): gnomAD 0.00001; gnomAD exomes 0.00001; TOPMed 0.00001.

Submissions (2):

Ambry Genetics
Classification: Uncertain significance. Last evaluated: 2025-11-26. Review status: criteria provided, single submitter. Criteria: Ambry Variant Classification Scheme 2023. Collection method: clinical testing. Allele origin: germline.

Baylor Genetics
Classification: Uncertain significance for Intellectual developmental disorder, X-linked, with panhypopituitarism. Last evaluated: 2018-03-26. Review status: criteria provided, single submitter. Criteria: ACMG Guidelines, 2015. Collection method: clinical testing. Allele origin: maternal. Affected: yes.
Comment: This variant was determined to be of uncertain significance according to ACMG Guidelines, 2015 [PMID:25741868].